The following is an entry in ClinVar:

ClinVar aggregate classification (germline): Uncertain significance (1 of 4 stars; one submission).

Conditions:
Deficiency of alpha-mannosidase (MANSA). Also called: LYSOSOMAL ALPHA-D-MANNOSIDASE DEFICIENCY; Alpha-Mannosidosis; Mannosidosis, alpha-, types I and II. Identifiers: Orphanet 61, MedGen C0024748, MONDO:0009561, OMIM 248500.

Allele frequency attached by ClinVar (database versions not stated): ExAC 0.00001.

Submission:

Labcorp Genetics (formerly Invitae), Labcorp
Classification: Uncertain significance for Deficiency of alpha-mannosidase. Last evaluated: 2021-02-15. Review status: criteria provided, single submitter. Criteria: Invitae Variant Classification Sherloc (09022015). Collection method: clinical testing. Allele origin: germline.
Comment: This sequence change falls in intron 12 of the MAN2B1 gene. It does not directly change the encoded amino acid sequence of the MAN2B1 protein. It affects a nucleotide within the consensus splice site of the intron. This variant is present in population databases (rs750261637, ExAC 0.01%). This variant has not been reported in the literature in individuals with MAN2B1-related conditions. Nucleotide substitutions within the consensus splice site are a relatively common cause of aberrant splicing (PMID: 17576681, 9536098). Algorithms developed to predict the effect of sequence changes on RNA splicing suggest that this variant may disrupt the consensus splice site, but this prediction has not been confirmed by published transcriptional studies. In summary, the available evidence is currently insufficient to determine the role of this variant in disease. Therefore, it has been classified as a Variant of Uncertain Significance.

Literature cited by the submitters: PubMed 17576681; PubMed 9536098.

NM_000528.4(MAN2B1):c.1527+3G>C

Gene: MAN2B1 (mannosidase alpha class 2B member 1; minus strand). Cytogenetic location: 19p13.13.
Variant type: single nucleotide variant.
Coding change: c.1527+3G>C on transcript NM_000528.4 (MANE Select); 3 bases into the intron after coding-DNA position 1527, G replaced by C.
Molecular consequence: intron variant.
Genome position (GRCh38, 1-based): chr19:12,656,946, C>G on the plus strand (G>C on the coding strand, the complement: MAN2B1 is on the minus strand). VCF-style: chr19-12656946-C-G. GRCh37 (hg19) VCF-style: chr19-12767760-C-G.
Other names: c.1524+3G>C (NM_001173498.2).
Identifiers: ClinVar variation 2143562 (VCV002143562.1), dbSNP rs750261637, ClinGen allele CA9226420.